The following is an entry in ClinVar:

NM_000051.4(ATM):c.1977G>T (p.Lys659Asn)

Gene: ATM (ATM serine/threonine kinase; plus strand). Cytogenetic location: 11q22.3.
Variant type: single nucleotide variant.
Coding change: c.1977G>T on transcript NM_000051.4 (MANE Select); coding-DNA position 1977, G replaced by T.
Protein change: p.Lys659Asn; replaces lysine 659 with asparagine.
Molecular consequence: missense variant.
Genome position (GRCh38, 1-based): chr11:108,253,892, G>T. VCF-style: chr11-108253892-G-T. GRCh37 (hg19) VCF-style: chr11-108124619-G-T.
Other names: c.1977G>T, p.Lys659Asn (NM_001351834.2); short protein forms K659N.
Identifiers: ClinVar variation 407501 (VCV000407501.18), dbSNP rs1060501565, ClinGen allele CA16613349.
Genomic context (GRCh38, chr11:108,253,892, plus strand): 5'-TAAAGAAGAACTTTCATTCTCAGAAGTAGAAGAACTATTTCTTCAGACAACTTTTGACAA[G>T]ATGGACTTTTTAACCATTGTGAGAGAATGTGGTATAGAAAAGCACCAGTCCAGTATTGGC-3'
Protein context (NP_000042.3, residues 649-669): EELFLQTTFD[Lys659Asn]MDFLTIVREC

ClinVar aggregate classification (germline): Conflicting classifications of pathogenicity. Review status: criteria provided, conflicting classifications (1 of 4 stars). 4 submissions from 4 submitters: Uncertain significance (2); Likely benign (2). Last evaluated 2025-10-08.

Conditions:
Hereditary cancer-predisposing syndrome. Also called: Hereditary neoplastic syndrome; Neoplastic Syndromes, Hereditary; Tumor predisposition; Hereditary Cancer Syndrome. Identifiers: Orphanet 140162, MedGen C0027672, MeSH D009386, MONDO:0015356.
Ataxia-telangiectasia syndrome (AT). Also called: Ataxia telangiectasia (A-T); LOUIS-BAR SYNDROME; Cerebello-oculocutaneous telangiectasia; Immunodeficiency with ataxia telangiectasia; Ataxia-telangiectasia, complementation group D; AT, COMPLEMENTATION GROUP C. Identifiers: Orphanet 100, MedGen C0004135, MONDO:0008840, OMIM 208900.

Allele frequency attached by ClinVar (database versions not stated): gnomAD exomes below 0.00001; gnomAD 0.00001; TOPMed 0.00001.
gnomAD v4.1: 6 of 1,613,924 alleles (0.00037%); highest among the groups gnomAD compares: Non-Finnish European, 0.00051%; no homozygotes.

Submissions (4):

Labcorp Genetics (formerly Invitae), Labcorp
Classification: Uncertain significance for Ataxia-telangiectasia syndrome. Last evaluated: 2025-10-08. Review status: criteria provided, single submitter. Criteria: Invitae Variant Classification Sherloc (09022015). Collection method: clinical testing. Allele origin: germline.
Comment: This sequence change replaces lysine, which is basic and polar, with asparagine, which is neutral and polar, at codon 659 of the ATM protein (p.Lys659Asn). This variant is present in population databases (no rsID available, gnomAD 0.0009%). This variant has not been reported in the literature in individuals affected with ATM-related conditions. ClinVar contains an entry for this variant (Variation ID: 407501). Invitae Evidence Modeling of protein sequence and biophysical properties (such as structural, functional, and spatial information, amino acid conservation, physicochemical variation, residue mobility, and thermodynamic stability) indicates that this missense variant is not expected to disrupt ATM protein function with a negative predictive value of 95%. In summary, the available evidence is currently insufficient to determine the role of this variant in disease. Therefore, it has been classified as a Variant of Uncertain Significance.

Color Diagnostics, LLC DBA Color Health
Classification: Likely benign for Hereditary cancer-predisposing syndrome. Last evaluated: 2025-06-17. Review status: criteria provided, single submitter. Criteria: ACMG Guidelines, 2015. Collection method: clinical testing. Allele origin: germline.

Center for Genomic Medicine, Rigshospitalet, Copenhagen University Hospital
Classification: Uncertain significance. Last evaluated: 2025-03-04. Review status: criteria provided, single submitter. Criteria: ACMG Guidelines, 2015. Collection method: clinical testing. Allele origin: germline.

Ambry Genetics
Classification: Likely benign for Hereditary cancer-predisposing syndrome. Last evaluated: 2024-03-21. Review status: criteria provided, single submitter. Criteria: Ambry Variant Classification Scheme 2023. Collection method: clinical testing. Allele origin: germline.